The following is an entry in ClinVar:

NM_032638.5(GATA2):c.596G>C (p.Gly199Ala)

Gene: GATA2 (GATA binding protein 2; minus strand). Cytogenetic location: 3q21.3.
Variant type: single nucleotide variant.
Coding change: c.596G>C on transcript NM_032638.5 (MANE Select); coding-DNA position 596, G replaced by C.
Protein change: p.Gly199Ala; replaces glycine 199 with alanine.
Molecular consequence: missense variant.
Genome position (GRCh38, 1-based): chr3:128,486,002, C>G on the plus strand (G>C on the coding strand, the complement: GATA2 is on the minus strand). VCF-style: chr3-128486002-C-G. GRCh37 (hg19) VCF-style: chr3-128204845-C-G.
Other names: c.596G>C, p.Gly199Ala (NM_001145661.2, NM_001145662.1); short protein forms G199A.
Identifiers: ClinVar variation 2150746 (VCV002150746.6), dbSNP rs780930549, ClinGen allele CA354406449.
Genomic context (GRCh38, chr3:128,486,002, plus strand): 5'-TCCGTCAGTGACACCTGGTACTTGACGCCGTCCTTGTCCTCTCCTCGGGCTGCACTACCC[C>G]CCGCGGAAGATGAGGCTGGAGACGCAGCCCCCGTGGTGCTAGGGTCAGGAGACACTTCTT-3'
Protein context (NP_116027.2, residues 189-209): GAASPASSSA[Gly199Ala]GSAARGEDKD

ClinVar aggregate classification (germline): Uncertain significance. Review status: criteria provided, multiple submitters, no conflicts (2 of 4 stars). 3 submissions from 3 submitters: Uncertain significance (3). Last evaluated 2024-12-17.

Conditions:
Inborn genetic diseases. Identifiers: MedGen C0950123, MeSH D030342.
Deafness-lymphedema-leukemia syndrome. Also called: Lymphedema, primary, with myelodysplasia; Emberger syndrome. Identifiers: Orphanet 3226, MedGen C3279664, MONDO:0013540, OMIM 614038.
Monocytopenia with susceptibility to infections. Also called: MONOCYTOPENIA AND MYCOBACTERIAL INFECTION SYNDROME; MONOCYTOPENIA WITH SUSCEPTIBILITY TO MYCOBACTERIAL, FUNGAL, AND PAPILLOMAVIRUS INFECTIONS AND MYELODYSPLASIA; COMBINED IMMUNODEFICIENCY WITH SUSCEPTIBILITY TO MYCOBACTERIAL, VIRAL, AND FUNGAL INFECTIONS; Dendritic cell, monocyte, B lymphocyte, and natural killer lymphocyte deficiency; IMMUNODEFICIENCY 21; GATA2 DEFICIENCY. Identifiers: Orphanet 228423, MedGen C3280030, MONDO:0013607, OMIM 614172.
Acute myeloid leukemia (AML). Also called: Acute myeloid leukemia, adult; AML adult; Acute non-lymphocytic leukemia; Acute granulocytic leukemia; Leukemia, acute myeloid, somatic; Leukemia, acute myelogenous, somatic. Identifiers: Orphanet 519, MedGen C0023467, MeSH D015470, MONDO:0018874, OMIM 601626, HP:0004808. Disease mechanism: Constitutively activated FLT3.

Submissions (3):

Ambry Genetics
Classification: Uncertain significance for Inborn genetic diseases. Last evaluated: 2024-12-17. Review status: criteria provided, single submitter. Criteria: Ambry Variant Classification Scheme 2023. Collection method: clinical testing. Allele origin: germline.
Comment: The p.G199A variant (also known as c.596G>C), located in coding exon 2 of the GATA2 gene, results from a G to C substitution at nucleotide position 596. The glycine at codon 199 is replaced by alanine, an amino acid with similar properties. This amino acid position is conserved. In addition, the in silico prediction for this alteration is inconclusive. Based on the available evidence, the clinical significance of this variant remains unclear.

Baylor Genetics
Classification: Uncertain significance for Acute myeloid leukemia. Last evaluated: 2023-10-06. Review status: criteria provided, single submitter. Criteria: ACMG Guidelines, 2015. Collection method: clinical testing. Allele origin: unknown.

Labcorp Genetics (formerly Invitae), Labcorp
Classification: Uncertain significance for Monocytopenia with susceptibility to infections; Deafness-lymphedema-leukemia syndrome. Last evaluated: 2022-09-20. Review status: criteria provided, single submitter. Criteria: Invitae Variant Classification Sherloc (09022015). Collection method: clinical testing. Allele origin: germline.
Comment: In summary, the available evidence is currently insufficient to determine the role of this variant in disease. Therefore, it has been classified as a Variant of Uncertain Significance. Advanced modeling of protein sequence and biophysical properties (such as structural, functional, and spatial information, amino acid conservation, physicochemical variation, residue mobility, and thermodynamic stability) performed at Invitae indicates that this missense variant is not expected to disrupt GATA2 protein function. This variant has not been reported in the literature in individuals affected with GATA2-related conditions. This variant is present in population databases (no rsID available, gnomAD 0.003%). This sequence change replaces glycine, which is neutral and non-polar, with alanine, which is neutral and non-polar, at codon 199 of the GATA2 protein (p.Gly199Ala).